The following is an entry in ClinVar:

NM_007294.4(BRCA1):c.3944C>G (p.Pro1315Arg)

Genes: BRCA1 (BRCA1 DNA repair associated; minus strand), LOC126862571 (BRD4-independent group 4 enhancer GRCh37_chr17:41243136-41244335; plus strand). Cytogenetic location: 17q21.31.
Variant type: single nucleotide variant.
Coding change: c.3944C>G on transcript NM_007294.4 (MANE Select); coding-DNA position 3944, C replaced by G.
Protein change: p.Pro1315Arg; replaces proline 1315 with arginine.
Molecular consequence: missense variant. On other transcripts: intron variant (135).
Genome position (GRCh38, 1-based): chr17:43,091,587, G>C on the plus strand (C>G on the coding strand, the complement: BRCA1 is on the minus strand). VCF-style: chr17-43091587-G-C. GRCh37 (hg19) VCF-style: chr17-41243604-G-C.
Other names: 4063C>G; c.3731C>G, p.Pro1244Arg (NM_001407571.1, NM_001407853.1, NM_001407894.1 and 9 more transcripts); c.3944C>G, p.Pro1315Arg (NM_001407581.1, NM_001407582.1, NM_001407583.1 and 30 more transcripts); c.3941C>G, p.Pro1314Arg (NM_001407587.1, NM_001407590.1, NM_001407591.1 and 22 more transcripts); c.3935C>G, p.Pro1312Arg (NM_001407646.1, NM_001407647.1); c.3821C>G, p.Pro1274Arg (NM_001407648.1, NM_001407664.1, NM_001407665.1 and 19 more transcripts); c.3818C>G, p.Pro1273Arg (NM_001407649.1, NM_001407670.1, NM_001407671.1 and 11 more transcripts); c.3866C>G, p.Pro1289Arg (NM_001407653.1, NM_001407654.1, NM_001407655.1 and 4 more transcripts); and 42 more; short protein forms P1315R, P1268R, P1244R, P1245R, P1247R, P1267R, P447R, P1188R.
Identifiers: ClinVar variation 96921 (VCV000096921.33), dbSNP rs80357500, ClinGen allele CA002530.

ClinVar aggregate classification (germline): Conflicting classifications of pathogenicity. Review status: criteria provided, conflicting classifications (1 of 4 stars). 11 submissions from 11 submitters: Uncertain significance (6); Likely benign (3). 2 of the submissions do not count toward it. Last evaluated 2025-11-09.

Conditions:
BRCA1-related cancer predisposition. Identifiers: MedGen CN377757, MONDO:0700268.
Breast-ovarian cancer, familial, susceptibility to, 1 (BROVCA1). Also called: BRCA1 Hereditary Breast and Ovarian Cancer; OVARIAN CANCER, SUSCEPTIBILITY TO. Identifiers: Orphanet 145, MedGen C2676676, MONDO:0011450, OMIM 604370. Disease mechanism: loss of function.
Hereditary cancer-predisposing syndrome. Also called: Hereditary Cancer Syndrome; Neoplastic Syndromes, Hereditary; Hereditary neoplastic syndrome; Tumor predisposition. Identifiers: Orphanet 140162, MedGen C0027672, MeSH D009386, MONDO:0015356.
Hereditary breast ovarian cancer syndrome. Also called: Hereditary breast and/or ovarian cancer syndrome; Hereditary breast and ovarian cancer syndrome; Hereditary breast and ovarian cancer; Hereditary breast and ovarian cancer syndrome (HBOC); Breast and ovarian cancer; BRCA1- and BRCA2-Associated Hereditary Breast and Ovarian Cancer. Identifiers: Orphanet 145, MedGen C0677776, MeSH D061325, MONDO:0003582. Disease mechanism: loss of function.

Allele frequency attached by ClinVar (database versions not stated): gnomAD exomes below 0.00001; TOPMed below 0.00001; gnomAD 0.00001.
gnomAD v4.1: 2 of 1,614,084 alleles (0.00012%); highest among the groups gnomAD compares: African/African-American, 0.0013%; no homozygotes.

Submissions (11):

Labcorp Genetics (formerly Invitae), Labcorp
Classification: Likely benign for Hereditary breast ovarian cancer syndrome. Last evaluated: 2025-11-09. Review status: criteria provided, single submitter. Criteria: Invitae Variant Classification Sherloc (09022015). Collection method: clinical testing. Allele origin: germline.

Ambry Genetics
Classification: Uncertain significance for Hereditary cancer-predisposing syndrome. Last evaluated: 2024-08-29. Review status: criteria provided, single submitter. Criteria: Ambry Variant Classification Scheme 2023. Collection method: clinical testing. Allele origin: germline.
Comment: The p.P1315R variant (also known as c.3944C>G), located in coding exon 9 of the BRCA1 gene, results from a C to G substitution at nucleotide position 3944. The proline at codon 1315 is replaced by arginine, an amino acid with dissimilar properties. This amino acid position is not well conserved in available vertebrate species. In addition, the in silico prediction for this alteration is inconclusive. Based on the available evidence, the clinical significance of this variant remains unclear.

All of Us Research Program, National Institutes of Health
Classification: Uncertain significance for BRCA1-related cancer predisposition. Last evaluated: 2024-06-17. Review status: criteria provided, single submitter. Criteria: ACMG Guidelines, 2015. Collection method: clinical testing. Allele origin: germline. Inheritance: Autosomal dominant inheritance. Observed: 1 variant allele, 1 heterozygote.
Comment: This missense variant replaces proline with arginine at codon 1315 of the BRCA1 protein. Computational prediction suggests that this variant may not impact protein structure and function (internally defined REVEL score threshold <= 0.5, PMID: 27666373). To our knowledge, functional studies have not been reported for this variant. A multifactorial analysis has reported a likelihood ratio for pathogenicity of 0.234 for this variant (PMID: 30212499). This variant has been reported in 1 individual age 70 years or older without cancer in the FLOSSIES database. This variant has been identified in 1/251214 chromosomes in the general population by the Genome Aggregation Database (gnomAD). Although there is a suspicion that this variant may not be associated with disease, additional studies are necessary to determine the role of this variant in disease conclusively. Therefore, this variant is classified as a Variant of Uncertain Significance.

This study involves interpretation of variants in research participants for the purpose of population health screening. Participant phenotype was not available at the time of variant classification. Additional details can be found in publication PMID: 35346344, PMCID: PMC8962531

Color Diagnostics, LLC DBA Color Health
Classification: Uncertain significance for Hereditary cancer-predisposing syndrome. Last evaluated: 2024-06-05. Review status: criteria provided, single submitter. Criteria: ACMG Guidelines, 2015. Collection method: clinical testing. Allele origin: germline.
Comment: This missense variant replaces proline with arginine at codon 1315 of the BRCA1 protein. Computational prediction suggests that this variant may not impact protein structure and function. To our knowledge, functional studies have not been reported for this variant. A multifactorial analysis has reported a likelihood ratio for pathogenicity of 0.234 for this variant (PMID: 30212499). This variant has been reported in 1 individual age 70 years or older without cancer in the FLOSSIES database. This variant has been identified in 1/251214 chromosomes in the general population by the Genome Aggregation Database (gnomAD). Although there is a suspicion that this variant may not be associated with disease, additional studies are necessary to determine the role of this variant in disease conclusively. Therefore, this variant is classified as a Variant of Uncertain Significance.

University of Washington Department of Laboratory Medicine, University of Washington
Classification: Likely benign for Hereditary cancer-predisposing syndrome. Last evaluated: 2023-03-23. Review status: criteria provided, single submitter. Criteria: Dines et al. (Genet Med. 2020). Collection method: curation. Allele origin: germline.
Comment: Missense variant in a coldspot region where missense variants are very unlikely to be pathogenic (PMID:31911673).

BRCA1 coldspot (exon 11 using historical exon numbering). Reclassification based on statistical prior probability

Women's Health and Genetics/Laboratory Corporation of America, LabCorp
Classification: Uncertain significance. Last evaluated: 2020-09-14. Review status: criteria provided, single submitter. Criteria: LabCorp Variant Classification Summary - May 2015. Collection method: clinical testing. Allele origin: germline.
Comment: Variant summary: BRCA1 c.3944C>G (p.Pro1315Arg) results in a non-conservative amino acid change in the encoded protein sequence. Three of five in-silico tools predict a benign effect of the variant on protein function. The variant allele was found at a frequency of 4e-06 in 251214 control chromosomes. The available data on variant occurrences in the general population are insufficient to allow any conclusion about variant significance. To our knowledge, no occurrence of c.3944C>G in individuals affected with Hereditary Breast And Ovarian Cancer Syndrome and no experimental evidence demonstrating its impact on protein function have been reported in the literature. Six clinical diagnostic laboratories have submitted clinical-significance assessments for this variant to ClinVar after 2014 without evidence for independent evaluation. Multiple laboratories reported the variant with conflicting assessments (likely benign, n=2; uncertain significance, n=4). Based on the evidence outlined above, the variant was classified as uncertain significance.

Quest Diagnostics Nichols Institute San Juan Capistrano
Classification: Uncertain significance. Last evaluated: 2020-06-15. Review status: criteria provided, single submitter. Criteria: Quest Diagnostics criteria. Collection method: clinical testing. Allele origin: unknown.

GeneDx
Classification: Likely benign. Last evaluated: 2019-12-12. Review status: criteria provided, single submitter. Criteria: GeneDx Variant Classification Process June 2021. Collection method: clinical testing. Allele origin: germline. Affected: yes.

Molecular Genetics Laboratory, University of Michigan
Classification: Uncertain significance for Breast-ovarian cancer, familial, susceptibility to, 1. Last evaluated: 2016-04-21. Review status: criteria provided, single submitter. Criteria: ACMG Guidelines, 2015. Collection method: clinical testing. Allele origin: germline. Affected: yes.

Counsyl
Classification: Uncertain significance for Breast-ovarian cancer, familial, susceptibility to, 1. Last evaluated: 2018-02-28. Review status: no assertion criteria provided. Collection method: clinical testing. Allele origin: unknown. Not counted in ClinVar's aggregate classification.

Sharing Clinical Reports Project (SCRP)
Classification: Likely benign for Breast-ovarian cancer, familial 1. Last evaluated: 2011-02-10. Review status: no assertion criteria provided. Collection method: clinical testing. Allele origin: germline. Not counted in ClinVar's aggregate classification.

Literature cited by the submitters: PubMed 30212499 (cited by All of Us Research Program, National Institutes of Health and Color Diagnostics, LLC DBA Color Health).